The following is an entry in ClinVar:

ClinVar aggregate classification (germline): Uncertain significance. Review status: criteria provided, multiple submitters, no conflicts (2 of 4 stars). 2 submissions from 2 submitters: Uncertain significance (2). Last evaluated 2024-09-05.

Allele frequency attached by ClinVar (database versions not stated): gnomAD 0.00001 and 0.00003; TOPMed 0.00002; ESP Exome Variant Server 0.00008.

Submissions (2):

Blueprint Genetics
Classification: Uncertain significance. Last evaluated: 2024-09-05. Review status: criteria provided, single submitter. Criteria: ACMG Guidelines, 2015. Collection method: clinical testing. Allele origin: germline.

Labcorp Genetics (formerly Invitae), Labcorp
Classification: Uncertain significance. Last evaluated: 2022-02-04. Review status: criteria provided, single submitter. Criteria: Invitae Variant Classification Sherloc (09022015). Collection method: clinical testing. Allele origin: germline.
Comment: This sequence change replaces aspartic acid, which is acidic and polar, with asparagine, which is neutral and polar, at codon 206 of the TULP1 protein (p.Asp206Asn). This variant is present in population databases (rs141173128, gnomAD 0.03%). This variant has not been reported in the literature in individuals affected with TULP1-related conditions. ClinVar contains an entry for this variant (Variation ID: 969904). Algorithms developed to predict the effect of missense changes on protein structure and function are either unavailable or do not agree on the potential impact of this missense change (SIFT: "Not Available"; PolyPhen-2: "Benign"; Align-GVGD: "Not Available"). In summary, the available evidence is currently insufficient to determine the role of this variant in disease. Therefore, it has been classified as a Variant of Uncertain Significance.

NM_003322.6(TULP1):c.616G>A (p.Asp206Asn)

Gene: TULP1 (TUB like protein 1; minus strand). Cytogenetic location: 6p21.31.
Variant type: single nucleotide variant.
Coding change: c.616G>A on transcript NM_003322.6 (MANE Select); coding-DNA position 616, G replaced by A.
Protein change: p.Asp206Asn; replaces aspartic acid 206 with asparagine.
Molecular consequence: missense variant.
Genome position (GRCh38, 1-based): chr6:35,509,736, C>T on the plus strand (G>A on the coding strand, the complement: TULP1 is on the minus strand). VCF-style: chr6-35509736-C-T. GRCh37 (hg19) VCF-style: chr6-35477513-C-T.
Other names: c.457G>A, p.Asp153Asn (NM_001289395.2); short protein forms D206N, D153N.
Identifiers: ClinVar variation 969904 (VCV000969904.8), dbSNP rs141173128, ClinGen allele CA3772858.